The following is an entry in ClinVar:

NM_001042492.3(NF1):c.1978A>T (p.Lys660Ter)

Gene: NF1 (neurofibromin 1; plus strand). Cytogenetic location: 17q11.2.
Variant type: single nucleotide variant.
Coding change: c.1978A>T on transcript NM_001042492.3 (MANE Select); coding-DNA position 1978, A replaced by T.
Protein change: p.Lys660Ter; replaces lysine 660 with a stop codon.
Molecular consequence: nonsense.
Genome position (GRCh38, 1-based): chr17:31,225,227, A>T. VCF-style: chr17-31225227-A-T. GRCh37 (hg19) VCF-style: chr17-29552245-A-T.
Other names: c.1978A>T, p.Lys660Ter (NM_000267.4); short protein forms K660*.
Identifiers: ClinVar variation 4795155 (VCV004795155.1).

ClinVar aggregate classification (germline): Likely pathogenic (1 of 4 stars; one submission).

Conditions:
Neurofibromatosis, type 1 (NF1). Also called: VON RECKLINGHAUSEN DISEASE; Neurofibromatosis, type I; NEUROFIBROMATOSIS, TYPE I, SOMATIC; Peripheral type neurofibromatosis. Identifiers: Orphanet 636, MedGen C0027831, MONDO:0018975, OMIM 162200. Disease mechanism: loss of function.

Submission:

MVZ Martinsried, Medicover Genetics
Classification: Likely pathogenic for Neurofibromatosis, type 1. Last evaluated: 2025-11-21. Review status: criteria provided, single submitter. Criteria: ClinGen Variant Curation SOP V3.2 + Classification Guidance July2025. Collection method: clinical testing. Allele origin: unknown. Affected: yes. Observed: 1 heterozygote.
Comment: PVS1, PM2_PP